The following is an entry in ClinVar:

ClinVar aggregate classification (germline): Uncertain significance (1 of 4 stars; one submission).

Conditions:
Bardet-Biedl syndrome (BBS). Identifiers: Orphanet 110, MedGen C0752166, MONDO:0015229.

Allele frequency attached by ClinVar (database versions not stated): TOPMed below 0.00001; gnomAD 0.00001.
gnomAD v4.1: 2 of 1,614,120 alleles (0.00012%); highest among the groups gnomAD compares: African/African-American, 0.0027%; no homozygotes.

Submission:

Labcorp Genetics (formerly Invitae), Labcorp
Classification: Uncertain significance for Bardet-Biedl syndrome. Last evaluated: 2021-08-24. Review status: criteria provided, single submitter. Criteria: Invitae Variant Classification Sherloc (09022015). Collection method: clinical testing. Allele origin: germline.
Comment: This sequence change replaces asparagine with serine at codon 303 of the BBS12 protein (p.Asn303Ser). The asparagine residue is highly conserved and there is a small physicochemical difference between asparagine and serine. This variant is not present in population databases (ExAC no frequency). This variant has not been reported in the literature in individuals affected with BBS12-related conditions. Algorithms developed to predict the effect of missense changes on protein structure and function output the following: SIFT: "Tolerated"; PolyPhen-2: "Benign"; Align-GVGD: "Class C0". The serine amino acid residue is found in multiple mammalian species, which suggests that this missense change does not adversely affect protein function. In summary, the available evidence is currently insufficient to determine the role of this variant in disease. Therefore, it has been classified as a Variant of Uncertain Significance.

NM_152618.3(BBS12):c.908A>G (p.Asn303Ser)

Gene: BBS12 (Bardet-Biedl syndrome 12; plus strand). Cytogenetic location: 4q27.
Variant type: single nucleotide variant.
Coding change: c.908A>G on transcript NM_152618.3 (MANE Select); coding-DNA position 908, A replaced by G.
Protein change: p.Asn303Ser; replaces asparagine 303 with serine.
Molecular consequence: missense variant.
Genome position (GRCh38, 1-based): chr4:122,742,800, A>G. VCF-style: chr4-122742800-A-G. GRCh37 (hg19) VCF-style: chr4-123663955-A-G.
Other names: c.908A>G, p.Asn303Ser (NM_001178007.2); short protein forms N303S.
Identifiers: ClinVar variation 943354 (VCV000943354.4), dbSNP rs1399257163, ClinGen allele CA358223972.